The following is an entry in ClinVar:

NM_001166108.2(PALLD):c.*153A>G

Genes: CBR4 (carbonyl reductase 4; minus strand), PALLD (palladin, cytoskeletal associated protein; plus strand). Cytogenetic location: 4q32.3.
Variant type: single nucleotide variant.
Coding change: c.*153A>G on transcript NM_001166108.2 (MANE Select); 153 bases downstream of the stop codon, A replaced by G.
Molecular consequence: 3 prime UTR variant. On other transcripts: missense variant (4).
Genome position (GRCh38, 1-based): chr4:168,926,333, A>G. VCF-style: chr4-168926333-A-G. GRCh37 (hg19) VCF-style: chr4-169847484-A-G.
Other names: c.2282A>G, p.Asn761Ser (NM_001166109.2); c.1967A>G, p.Asn656Ser (NM_001166110.2); c.*153A>G (NM_001367567.1, NM_001367570.1, NM_016081.4); c.1358A>G, p.Asn453Ser (NM_001367568.1); c.1307A>G, p.Asn436Ser (NM_001367569.1); short protein forms N656S, N436S, N761S, N453S.
Identifiers: ClinVar variation 188283 (VCV000188283.12), dbSNP rs535118290, ClinGen allele CA334518.
Genomic context (GRCh38, chr4:168,926,333, plus strand): 5'-GCTATGCAGCACTTTCGGACCAGGGACTAGACATCAAAGCAGCGTTCCAACCTGAGGCCA[A>G]CCCATCTCACCTGACACTGAATACTGCCTTGGTAGAAAGTGAGGACCTGTAATCCAGCAT-3'

ClinVar aggregate classification (germline): Conflicting classifications of pathogenicity. Review status: criteria provided, conflicting classifications (1 of 4 stars). 2 submissions from 2 submitters: Uncertain significance (1); Likely benign (1). Last evaluated 2025-12-12.

Conditions:
Pancreatic adenocarcinoma. Identifiers: MedGen C0281361, MONDO:0006047, HP:0006725.

Allele frequency attached by ClinVar (database versions not stated): gnomAD 0.00002 and 0.00003; TOPMed 0.00002; 1000 Genomes Project 30x 0.00016; 1000 Genomes Project 0.00020.
gnomAD v4.1: 18 of 1,537,406 alleles (0.0012%); highest among the groups gnomAD compares: East Asian, 0.0024%; no homozygotes.

Submissions (2):

Ambry Genetics
Classification: Likely benign. Last evaluated: 2025-12-12. Review status: criteria provided, single submitter. Criteria: Ambry Variant Classification Scheme 2023. Collection method: clinical testing. Allele origin: germline.

Labcorp Genetics (formerly Invitae), Labcorp
Classification: Uncertain significance for Pancreatic adenocarcinoma. Last evaluated: 2023-05-02. Review status: criteria provided, single submitter. Criteria: Invitae Variant Classification Sherloc (09022015). Collection method: clinical testing. Allele origin: germline.
Comment: In summary, the available evidence is currently insufficient to determine the role of this variant in disease. Therefore, it has been classified as a Variant of Uncertain Significance. Algorithms developed to predict the effect of missense changes on protein structure and function output the following: SIFT: "Not Available"; PolyPhen-2: "Benign"; Align-GVGD: "Not Available". The serine amino acid residue is found in multiple mammalian species, which suggests that this missense change does not adversely affect protein function. ClinVar contains an entry for this variant (Variation ID: 188283). This variant has not been reported in the literature in individuals affected with PALLD-related conditions. This variant is not present in population databases (gnomAD no frequency). This sequence change replaces asparagine, which is neutral and polar, with serine, which is neutral and polar, at codon 656 of the PALLD protein (p.Asn656Ser).